The following is an entry in ClinVar:

NM_001457.4(FLNB):c.4280C>T (p.Ala1427Val)

Gene: FLNB (filamin B; plus strand). Cytogenetic location: 3p14.3.
Variant type: single nucleotide variant.
Coding change: c.4280C>T on transcript NM_001457.4 (MANE Select); coding-DNA position 4280, C replaced by T.
Protein change: p.Ala1427Val; replaces alanine 1427 with valine.
Molecular consequence: missense variant.
Genome position (GRCh38, 1-based): chr3:58,130,798, C>T. VCF-style: chr3-58130798-C-T. GRCh37 (hg19) VCF-style: chr3-58116525-C-T.
Other names: c.4280C>T, p.Ala1427Val (NM_001164317.2, NM_001164318.2, NM_001164319.2); short protein forms A1427V.
Identifiers: ClinVar variation 2604315 (VCV002604315.3), dbSNP rs866334827, ClinGen allele CA75453418.

ClinVar aggregate classification (germline): Uncertain significance. Review status: criteria provided, multiple submitters, no conflicts (2 of 4 stars). 2 submissions from 2 submitters: Uncertain significance (2). Last evaluated 2026-06-03.

Conditions:
Inborn genetic diseases. Identifiers: MedGen C0950123, MeSH D030342.

Allele frequency attached by ClinVar (database versions not stated): gnomAD exomes below 0.00001; TOPMed below 0.00001.
gnomAD v4.1: 3 of 1,613,814 alleles (0.00019%); highest among the groups gnomAD compares: Non-Finnish European, 0.00025%; no homozygotes.

Submissions (2):

Women's Health and Genetics/Laboratory Corporation of America, LabCorp
Classification: Uncertain significance. Last evaluated: 2026-06-03. Review status: criteria provided, single submitter. Criteria: LabCorp Variant Classification Summary - May 2015. Collection method: clinical testing. Allele origin: germline.
Comment: Variant summary: FLNB c.4280C>T (p.Ala1427Val) results in a non-conservative amino acid change in the encoded protein sequence. Algorithms developed to predict the effect of missense changes on protein structure and function are either unavailable or do not agree on the potential impact of this missense change. The variant was absent in 250114 control chromosomes. The available data on variant occurrences in the general population are insufficient to allow any conclusion about variant significance. To our knowledge, no occurrence of c.4280C>T in individuals affected with FLNB-related conditions and no experimental evidence demonstrating its impact on protein function have been reported. ClinVar contains an entry for this variant (Variation ID: 2604315). Based on the evidence outlined above, the variant was classified as uncertain significance.

Ambry Genetics
Classification: Uncertain significance for Inborn genetic diseases. Last evaluated: 2023-06-16. Review status: criteria provided, single submitter. Criteria: Ambry Variant Classification Scheme 2023. Collection method: clinical testing. Allele origin: germline.